The following is an entry in ClinVar:

ClinVar aggregate classification (germline): Uncertain significance (1 of 4 stars; one submission).

Conditions:
Granulomatous disease, chronic, X-linked. Also called: CYTOCHROME b-NEGATIVE GRANULOMATOUS DISEASE, CHRONIC, X-LINKED; GRANULOMATOUS DISEASE, CHRONIC, X-LINKED, SOMATIC MOSAIC. Identifiers: Orphanet 379, MedGen C1844376, MONDO:0010600, OMIM 306400.

Submission:

Labcorp Genetics (formerly Invitae), Labcorp
Classification: Uncertain significance for Granulomatous disease, chronic, X-linked. Last evaluated: 2024-07-04. Review status: criteria provided, single submitter. Criteria: Invitae Variant Classification Sherloc (09022015). Collection method: clinical testing. Allele origin: germline.
Comment: This sequence change replaces threonine, which is neutral and polar, with isoleucine, which is neutral and non-polar, at codon 509 of the CYBB protein (p.Thr509Ile). This variant is not present in population databases (gnomAD no frequency). This missense change has been observed in individual(s) with clinical features of chronic granulomatous disease (Invitae). Advanced modeling of protein sequence and biophysical properties (such as structural, functional, and spatial information, amino acid conservation, physicochemical variation, residue mobility, and thermodynamic stability) has been performed at Invitae for this missense variant, however the output from this modeling did not meet the statistical confidence thresholds required to predict the impact of this variant on CYBB protein function. In summary, the available evidence is currently insufficient to determine the role of this variant in disease. Therefore, it has been classified as a Variant of Uncertain Significance.

NM_000397.4(CYBB):c.1526C>T (p.Thr509Ile)

Gene: CYBB (cytochrome b-245 beta chain; plus strand). Cytogenetic location: Xp11.4.
Variant type: single nucleotide variant.
Coding change: c.1526C>T on transcript NM_000397.4 (MANE Select); coding-DNA position 1526, C replaced by T.
Protein change: p.Thr509Ile; replaces threonine 509 with isoleucine.
Molecular consequence: missense variant.
Genome position (GRCh38, 1-based): chrX:37,809,631, C>T. VCF-style: chrX-37809631-C-T. GRCh37 (hg19) VCF-style: chrX-37668884-C-T.
Other names: short protein forms T509I.
Identifiers: ClinVar variation 3656338 (VCV003656338.2).
Genomic context (GRCh38, chrX:37,809,631, plus strand): 5'-ATCACTTTGCTGTGCACCATGATGAGGAGAAAGATGTGATCACAGGCCTGAAACAAAAGA[C>T]TTTGTATGGACGGCCCAACTGGGATAATGAATTCAAGACAATTGCAAGTCAACACCCTAA-3'
Protein context (NP_000388.2, residues 499-519): KDVITGLKQK[Thr509Ile]LYGRPNWDNE